The following is an entry in ClinVar:

ClinVar aggregate classification (germline): Pathogenic (1 of 4 stars; one submission).

Submission:

Labcorp Genetics (formerly Invitae), Labcorp
Classification: Pathogenic. Last evaluated: 2022-07-05. Review status: criteria provided, single submitter. Criteria: Invitae Variant Classification Sherloc (09022015). Collection method: clinical testing. Allele origin: germline.
Comment: This sequence change creates a premature translational stop signal (p.Glu501*) in the GOLGA2 gene. It is expected to result in an absent or disrupted protein product. Loss-of-function variants in GOLGA2 are known to be pathogenic (PMID: 26742501, 30237576, 34424553). This variant is not present in population databases (gnomAD no frequency). This variant has not been reported in the literature in individuals affected with GOLGA2-related conditions. Algorithms developed to predict the effect of sequence changes on RNA splicing suggest that this variant may create or strengthen a splice site. For these reasons, this variant has been classified as Pathogenic.

Literature cited by the submitters: PubMed 26742501; PubMed 30237576; PubMed 34424553.

NM_001366244.2(GOLGA2):c.1582G>T (p.Glu528Ter)

Gene: GOLGA2 (golgin A2; minus strand). Cytogenetic location: 9q34.11.
Variant type: single nucleotide variant.
Coding change: c.1582G>T on transcript NM_001366244.2 (MANE Select); coding-DNA position 1582, G replaced by T.
Protein change: p.Glu528Ter; replaces glutamic acid 528 with a stop codon.
Molecular consequence: nonsense.
Genome position (GRCh38, 1-based): chr9:128,260,641, C>A on the plus strand (G>T on the coding strand, the complement: GOLGA2 is on the minus strand). VCF-style: chr9-128260641-C-A. GRCh37 (hg19) VCF-style: chr9-131022920-C-A.
Other names: c.1501G>T, p.Glu501Ter (NM_001366246.2, NM_004486.6); c.1567G>T, p.Glu523Ter (NM_001389695.2); c.1564G>T, p.Glu522Ter (NM_001389696.2); c.1489G>T, p.Glu497Ter (NM_001389697.2); c.1483G>T, p.Glu495Ter (NM_001389698.2); c.1462G>T, p.Glu488Ter (NM_001389699.2, NM_001389700.2); c.1420G>T, p.Glu474Ter (NM_001389701.2); c.1396G>T, p.Glu466Ter (NM_001389702.2); and 3 more; short protein forms E370*, E377*, E522*, E466*, E488*, E501*, E461*, E474*.
Identifiers: ClinVar variation 2043422 (VCV002043422.1), dbSNP rs1247511938, ClinGen allele CA375008857.